The following is an entry in ClinVar:

NM_006231.4(POLE):c.5729del (p.Cys1910fs)

Gene: POLE (DNA polymerase epsilon, catalytic subunit; minus strand). Cytogenetic location: 12q24.33.
Variant type: Deletion.
Coding change: c.5729del on transcript NM_006231.4 (MANE Select); coding-DNA position 5729, one base deleted (G; older notation c.5729delG).
Protein change: p.Cys1910fs; shifts the reading frame from cysteine 1910.
Molecular consequence: frameshift variant.
Genome position (GRCh38, 1-based): chr12:132,635,974, C deleted on the plus strand (G on the coding strand, the reverse complement: POLE is on the minus strand). VCF-style (leftmost placement, unchanged base first): chr12-132635973-GC-G. GRCh37 (hg19) VCF-style: chr12-133212559-GC-G.
Other names: short protein forms C1910fs.
Identifiers: ClinVar variation 938647 (VCV000938647.13), dbSNP rs780296577, ClinGen allele CA6892409.

ClinVar aggregate classification (germline): Conflicting classifications of pathogenicity. Review status: criteria provided, conflicting classifications (1 of 4 stars). 2 submissions from 2 submitters: Pathogenic (1); Uncertain significance (1). Last evaluated 2026-01-16.

Conditions:
Hereditary cancer-predisposing syndrome. Also called: Tumor predisposition; Hereditary neoplastic syndrome; Hereditary Cancer Syndrome; Neoplastic Syndromes, Hereditary. Identifiers: Orphanet 140162, MedGen C0027672, MeSH D009386, MONDO:0015356.

Allele frequency attached by ClinVar (database versions not stated): ExAC 0.00001; gnomAD exomes below 0.00001.

Submissions (2):

Ambry Genetics
Classification: Uncertain significance for Hereditary cancer-predisposing syndrome. Last evaluated: 2026-01-16. Review status: criteria provided, single submitter. Criteria: Ambry Variant Classification Scheme 2023. Collection method: clinical testing. Allele origin: germline.
Comment: The c.5729delG variant, located in coding exon 42 of the POLE gene, results from a deletion of one nucleotide at nucleotide position 5729, causing a translational frameshift with a predicted alternate stop codon (p.C1910Sfs*89). This alteration is expected to result in loss of function by premature protein truncation or nonsense-mediated mRNA decay. Although biallelic loss of function of POLE has been associated with autosomal recessive POLE deficiency, haploinsufficiency of POLE has not been established as a mechanism of disease for POLE-related polymerase proofreading-associated polyposis (PPAP) and POLE-related CMMRD-like syndrome. Based on the supporting evidence, this variant is expected to be causative of POLE deficiency when present along with a second pathogenic variant on the other allele; however, its clinical significance for PPAP and POLE-related CMMRD-like syndrome is unclear.

Labcorp Genetics (formerly Invitae), Labcorp
Classification: Pathogenic. Last evaluated: 2025-05-27. Review status: criteria provided, single submitter. Criteria: Invitae Variant Classification Sherloc (09022015). Collection method: clinical testing. Allele origin: germline.
Comment: This sequence change creates a premature translational stop signal (p.Cys1910Serfs*89) in the POLE gene. It is expected to result in an absent or disrupted protein product. Loss-of-function variants in POLE are known to be pathogenic (PMID: 23230001, 25948378, 30503519). This variant is present in population databases (rs780296577, gnomAD 0.0009%). This variant has not been reported in the literature in individuals affected with POLE-related conditions. ClinVar contains an entry for this variant (Variation ID: 938647). For these reasons, this variant has been classified as Pathogenic.

Literature cited by the submitters: PubMed 23230001 (cited by Labcorp Genetics (formerly Invitae), Labcorp); PubMed 25948378 (cited by Labcorp Genetics (formerly Invitae), Labcorp); PubMed 30503519 (cited by Labcorp Genetics (formerly Invitae), Labcorp).